The following is an entry in ClinVar:

NM_153033.5(KCTD7):c.98_109del (p.Pro33_Thr36del)

Genes: KCTD7 (potassium channel tetramerization domain containing 7; plus strand), LOC129998533 (ATAC-STARR-seq lymphoblastoid silent region 18210; plus strand). Cytogenetic location: 7q11.21.
Variant type: Deletion.
Coding change: c.98_109del on transcript NM_153033.5 (MANE Select); coding-DNA positions 98 to 109, 12 bases deleted (CGACGGCCACGC).
Protein change: p.Pro33_Thr36del.
Molecular consequence: inframe deletion.
Genome position (GRCh38, 1-based): chr7:66,629,162-66,629,173, CGACGGCCACGC deleted; deleting any 12 consecutive bases within chr7:66,629,153-66,629,173 gives the same sequence; the c. name uses the placement nearest the transcript's 3' end. VCF-style (leftmost placement, unchanged base first): chr7-66629152-CCGGCCACGCCGA-C. GRCh37 (hg19) VCF-style: chr7-66094139-CCGGCCACGCCGA-C.
Other names: c.98_109del, p.Pro33_Thr36del (NM_001167961.2); c.98_109del (NM_153033.4).
Identifiers: ClinVar variation 1400157 (VCV001400157.9), dbSNP rs753399965, ClinGen allele CA4278158.

ClinVar aggregate classification (germline): Uncertain significance. Review status: criteria provided, multiple submitters, no conflicts (2 of 4 stars). 2 submissions from 2 submitters: Uncertain significance (2). Last evaluated 2025-05-18.

Conditions:
Progressive myoclonic epilepsy type 3. Also called: EPILEPSY, PROGRESSIVE MYOCLONIC, 3, WITH OR WITHOUT INTRACELLULAR INCLUSIONS; CEROID LIPOFUSCINOSIS, NEURONAL, 14; KCTD7-Related Progressive Myoclonic Epilepsy; EPILEPSY, PROGRESSIVE MYOCLONIC, 3, WITHOUT INTRACELLULAR INCLUSIONS. Identifiers: Orphanet 263516, MedGen C2673257, MONDO:0012721, OMIM 611726.

Submissions (2):

GeneDx
Classification: Uncertain significance. Last evaluated: 2025-05-18. Review status: criteria provided, single submitter. Criteria: GeneDx Variant Classification Process June 2021. Collection method: clinical testing. Allele origin: germline. Affected: yes.
Comment: Not observed at significant frequency in large population cohorts (gnomAD); In-frame deletion of 4 amino acids in a non-repeat region; In silico analysis suggests that this variant does not alter protein structure/function; Has not been previously published as pathogenic or benign to our knowledge

Labcorp Genetics (formerly Invitae), Labcorp
Classification: Uncertain significance for Progressive myoclonic epilepsy type 3. Last evaluated: 2022-08-09. Review status: criteria provided, single submitter. Criteria: Invitae Variant Classification Sherloc (09022015). Collection method: clinical testing. Allele origin: germline.
Comment: This variant, c.98_109del, results in the deletion of 4 amino acid(s) of the KCTD7 protein (p.Pro33_Thr36del), but otherwise preserves the integrity of the reading frame. This variant is present in population databases (rs753399965, gnomAD 0.01%). This variant has not been reported in the literature in individuals affected with KCTD7-related conditions. ClinVar contains an entry for this variant (Variation ID: 1400157). Experimental studies and prediction algorithms are not available or were not evaluated, and the functional significance of this variant is currently unknown. In summary, the available evidence is currently insufficient to determine the role of this variant in disease. Therefore, it has been classified as a Variant of Uncertain Significance.